The following is an entry in ClinVar:

NM_145239.3(PRRT2):c.663G>C (p.Gln221His)

Genes: MVP-DT (MVP divergent transcript; minus strand), PRRT2 (proline rich transmembrane protein 2; plus strand). Cytogenetic location: 16p11.2.
Variant type: single nucleotide variant.
Coding change: c.663G>C on transcript NM_145239.3 (MANE Select); coding-DNA position 663, G replaced by C.
Protein change: p.Gln221His; replaces glutamine 221 with histidine.
Molecular consequence: missense variant.
Genome position (GRCh38, 1-based): chr16:29,813,717, G>C. VCF-style: chr16-29813717-G-C. GRCh37 (hg19) VCF-style: chr16-29825038-G-C.
Other names: c.663G>C, p.Gln221His (NM_001256442.2, NM_001256443.2); short protein forms Q221H.
Identifiers: ClinVar variation 1898437 (VCV001898437.5), dbSNP rs2543335175, ClinGen allele CA395479209.

ClinVar aggregate classification (germline): Uncertain significance (1 of 4 stars; one submission).

Conditions:
Episodic kinesigenic dyskinesia (EKD). Also called: Paroxysmal kinesigenic dyskinesia. Identifiers: Orphanet 98809, MedGen C1868682, MONDO:0044202.

gnomAD v4.1: 2 of 1,579,078 alleles (0.00013%); highest among the groups gnomAD compares: Non-Finnish European, 0.00017%; no homozygotes.

Submission:

Labcorp Genetics (formerly Invitae), Labcorp
Classification: Uncertain significance for Episodic kinesigenic dyskinesia. Last evaluated: 2024-10-10. Review status: criteria provided, single submitter. Criteria: Invitae Variant Classification Sherloc (09022015). Collection method: clinical testing. Allele origin: germline.
Comment: This sequence change replaces glutamine, which is neutral and polar, with histidine, which is basic and polar, at codon 221 of the PRRT2 protein (p.Gln221His). This variant is not present in population databases (gnomAD no frequency). This variant has not been reported in the literature in individuals affected with PRRT2-related conditions. ClinVar contains an entry for this variant (Variation ID: 1898437). Invitae Evidence Modeling of protein sequence and biophysical properties (such as structural, functional, and spatial information, amino acid conservation, physicochemical variation, residue mobility, and thermodynamic stability) indicates that this missense variant is not expected to disrupt PRRT2 protein function with a negative predictive value of 95%. In summary, the available evidence is currently insufficient to determine the role of this variant in disease. Therefore, it has been classified as a Variant of Uncertain Significance.